The following is an entry in ClinVar:

NM_004168.4(SDHA):c.1961G>C (p.Cys654Ser)

Gene: SDHA (succinate dehydrogenase complex flavoprotein subunit A; plus strand). Cytogenetic location: 5p15.33.
Variant type: single nucleotide variant.
Coding change: c.1961G>C on transcript NM_004168.4 (MANE Select); coding-DNA position 1961, G replaced by C.
Protein change: p.Cys654Ser; replaces cysteine 654 with serine.
Molecular consequence: missense variant.
Genome position (GRCh38, 1-based): chr5:256,386, G>C. VCF-style: chr5-256386-G-C. GRCh37 (hg19) VCF-style: chr5-256501-G-C.
Other names: c.1817G>C, p.Cys606Ser (NM_001294332.2); c.1718G>C, p.Cys573Ser (NM_001330758.2); short protein forms C654S, C573S, C606S.
Identifiers: ClinVar variation 539662 (VCV000539662.14), dbSNP rs1554002895, ClinGen allele CA359003005.
Genomic context (GRCh38, chr5:256,386, plus strand): 5'-TTTTCAAGGTCACTCTGGAATATAGACCCGTGATCGACAAAACTTTGAACGAGGCTGACT[G>C]TGCCACCGTCCCGCCAGCCATTCGCTCCTACTGATGAGACAAGATGTGGTGATGACAGAA-3'
Protein context (NP_004159.2, residues 644-664): VIDKTLNEAD[Cys654Ser]ATVPPAIRSY

ClinVar aggregate classification (germline): Uncertain significance. Review status: criteria provided, multiple submitters, no conflicts (2 of 4 stars). 2 submissions from 2 submitters: Uncertain significance (2). Last evaluated 2024-11-21.

Conditions:
Mitochondrial complex II deficiency, nuclear type 1. Also called: SUCCINATE CoQ REDUCTASE DEFICIENCY. Identifiers: Orphanet 3208, MedGen C5700310, MONDO:0100294, OMIM 252011.
Pheochromocytoma/paraganglioma syndrome 5. Also called: Paragangliomas 5; SDHA-Related Hereditary Paraganglioma-Pheochromocytoma Syndrome. Identifiers: Orphanet 29072, MedGen C3279992, MONDO:0013602, OMIM 614165.
Hereditary cancer-predisposing syndrome. Also called: Neoplastic Syndromes, Hereditary; Tumor predisposition; Hereditary neoplastic syndrome; Hereditary Cancer Syndrome. Identifiers: Orphanet 140162, MedGen C0027672, MeSH D009386, MONDO:0015356.

Allele frequency attached by ClinVar (database versions not stated): gnomAD exomes below 0.00001.
gnomAD v4.1: 2 of 1,613,922 alleles (0.00012%); highest among the groups gnomAD compares: Non-Finnish European, 0.00017%; no homozygotes.

Submissions (2):

Ambry Genetics
Classification: Uncertain significance for Hereditary cancer-predisposing syndrome. Last evaluated: 2024-11-21. Review status: criteria provided, single submitter. Criteria: Ambry Variant Classification Scheme 2023. Collection method: clinical testing. Allele origin: germline.
Comment: The p.C654S variant (also known as c.1961G>C), located in coding exon 15 of the SDHA gene, results from a G to C substitution at nucleotide position 1961. The cysteine at codon 654 is replaced by serine, an amino acid with dissimilar properties. This amino acid position is highly conserved in available vertebrate species. In addition, this alteration is predicted to be deleterious by in silico analysis. Based on the available evidence, the clinical significance of this variant remains unclear.

Labcorp Genetics (formerly Invitae), Labcorp
Classification: Uncertain significance for Pheochromocytoma/paraganglioma syndrome 5; Mitochondrial complex II deficiency, nuclear type 1. Last evaluated: 2022-03-31. Review status: criteria provided, single submitter. Criteria: Invitae Variant Classification Sherloc (09022015). Collection method: clinical testing. Allele origin: germline.
Comment: In summary, the available evidence is currently insufficient to determine the role of this variant in disease. Therefore, it has been classified as a Variant of Uncertain Significance. Advanced modeling of protein sequence and biophysical properties (such as structural, functional, and spatial information, amino acid conservation, physicochemical variation, residue mobility, and thermodynamic stability) performed at Invitae indicates that this missense variant is not expected to disrupt SDHA protein function. ClinVar contains an entry for this variant (Variation ID: 539662). This variant has not been reported in the literature in individuals affected with SDHA-related conditions. This variant is not present in population databases (gnomAD no frequency). This sequence change replaces cysteine, which is neutral and slightly polar, with serine, which is neutral and polar, at codon 654 of the SDHA protein (p.Cys654Ser).